The following is an entry in ClinVar:

ClinVar aggregate classification (germline): Uncertain significance (1 of 4 stars; one submission).

Allele frequency attached by ClinVar (database versions not stated): gnomAD 0.00001; gnomAD exomes 0.00001.
gnomAD v4.1: 10 of 1,612,826 alleles (0.00062%); highest among the groups gnomAD compares: East Asian, 0.0089%; no homozygotes.

Submission:

Labcorp Genetics (formerly Invitae), Labcorp
Classification: Uncertain significance. Last evaluated: 2022-07-26. Review status: criteria provided, single submitter. Criteria: Invitae Variant Classification Sherloc (09022015). Collection method: clinical testing. Allele origin: germline.
Comment: This variant is present in population databases (no rsID available, gnomAD 0.01%). ClinVar contains an entry for this variant (Variation ID: 1392308). This variant has not been reported in the literature in individuals affected with EFL1-related conditions. This sequence change replaces glutamine, which is neutral and polar, with lysine, which is basic and polar, at codon 254 of the EFL1 protein (p.Gln254Lys). In summary, the available evidence is currently insufficient to determine the role of this variant in disease. Therefore, it has been classified as a Variant of Uncertain Significance. Algorithms developed to predict the effect of missense changes on protein structure and function output the following: SIFT: "Tolerated"; PolyPhen-2: "Benign"; Align-GVGD: "Class C0". The lysine amino acid residue is found in multiple mammalian species, which suggests that this missense change does not adversely affect protein function.

NM_024580.6(EFL1):c.760C>A (p.Gln254Lys)

Gene: EFL1 (elongation factor like GTPase 1; minus strand). Cytogenetic location: 15q25.2.
Variant type: single nucleotide variant.
Coding change: c.760C>A on transcript NM_024580.6 (MANE Select); coding-DNA position 760, C replaced by A.
Protein change: p.Gln254Lys; replaces glutamine 254 with lysine.
Molecular consequence: missense variant. On other transcripts: 5 prime UTR variant (1), non-coding transcript variant (1).
Genome position (GRCh38, 1-based): chr15:82,230,943, G>T on the plus strand (C>A on the coding strand, the complement: EFL1 is on the minus strand). VCF-style: chr15-82230943-G-T. GRCh37 (hg19) VCF-style: chr15-82523284-G-T.
Other names: c.607C>A, p.Gln203Lys (NM_001040610.3); c.-30C>A (NM_001322844.2); c.760C>A, p.Gln254Lys (NM_001322845.2); short protein forms Q254K, Q203K.
Identifiers: ClinVar variation 1392308 (VCV001392308.5), dbSNP rs1415682981, ClinGen allele CA393278986.